The following is an entry in ClinVar:

ClinVar aggregate classification (germline): Uncertain significance (1 of 4 stars; one submission).

Allele frequency attached by ClinVar (database versions not stated): gnomAD exomes below 0.00001; TOPMed below 0.00001.
gnomAD v4.1: 1 of 1,613,856 alleles (0.000062%); highest among the groups gnomAD compares: African/African-American, 0.0013%; no homozygotes.

Submission:

Labcorp Genetics (formerly Invitae), Labcorp
Classification: Uncertain significance. Last evaluated: 2022-10-05. Review status: criteria provided, single submitter. Criteria: Invitae Variant Classification Sherloc (09022015). Collection method: clinical testing. Allele origin: germline.
Comment: This sequence change replaces isoleucine, which is neutral and non-polar, with asparagine, which is neutral and polar, at codon 311 of the NEK2 protein (p.Ile311Asn). In summary, the available evidence is currently insufficient to determine the role of this variant in disease. Therefore, it has been classified as a Variant of Uncertain Significance. Algorithms developed to predict the effect of missense changes on protein structure and function (SIFT, PolyPhen-2, Align-GVGD) all suggest that this variant is likely to be tolerated. This variant has not been reported in the literature in individuals affected with NEK2-related conditions. This variant is not present in population databases (gnomAD no frequency).

NM_002497.4(NEK2):c.932T>A (p.Ile311Asn)

Gene: NEK2 (NIMA related kinase 2; minus strand). Cytogenetic location: 1q32.3.
Variant type: single nucleotide variant.
Coding change: c.932T>A on transcript NM_002497.4 (MANE Select); coding-DNA position 932, T replaced by A.
Protein change: p.Ile311Asn; replaces isoleucine 311 with asparagine.
Molecular consequence: missense variant.
Genome position (GRCh38, 1-based): chr1:211,669,166, A>T on the plus strand (T>A on the coding strand, the complement: NEK2 is on the minus strand). VCF-style: chr1-211669166-A-T. GRCh37 (hg19) VCF-style: chr1-211842508-A-T.
Other names: c.932T>A, p.Ile311Asn (NM_001204182.2, NM_001204183.2); short protein forms I311N.
Identifiers: ClinVar variation 1956981 (VCV001956981.5), dbSNP rs1655278535, ClinGen allele CA344778303.